The following is an entry in ClinVar:

ClinVar aggregate classification (germline): Uncertain significance. Review status: criteria provided, multiple submitters, no conflicts (2 of 4 stars). 4 submissions from 4 submitters: Uncertain significance (4). Last evaluated 2026-04-02.

Conditions:
Bone mineral density quantitative trait locus 1 (BMND1). Identifiers: MedGen C1866079, OMIM 601884.
Exudative vitreoretinopathy 4 (EVR4). Identifiers: Orphanet 891, MedGen C1866176, MONDO:0011151, OMIM 601813.
Exudative vitreoretinopathy 1 (EVR1). Also called: FEVR, AUTOSOMAL DOMINANT; Familial exudative vitreoretinopathy, autosomal dominant; CRISWICK-SCHEPENS SYNDROME. Identifiers: Orphanet 891, Orphanet 90050, MedGen C1851402, MONDO:0007589, OMIM 133780.
Worth disease. Also called: Autosomal dominant osteosclerosis, Worth type; ENDOSTEAL HYPEROSTOSIS, AUTOSOMAL DOMINANT; OSTEOSCLEROSIS, AUTOSOMAL DOMINANT. Identifiers: Orphanet 2790, MedGen C0432273, MONDO:0007764, OMIM 144750.
Autosomal dominant osteopetrosis 1 (OPTA1). Also called: OSTEOPETROSIS, AUTOSOMAL DOMINANT, TYPE I. Identifiers: Orphanet 2783, MedGen C1843330, MONDO:0011877, OMIM 607634.
Osteoporosis with pseudoglioma (OPPG). Also called: osteoporosis-pseudoglioma syndrome. Identifiers: Orphanet 2788, MedGen C0432252, MONDO:0009820, OMIM 259770.
Osteoporosis. Identifiers: MedGen C0029456, MONDO:0005298, OMIM 166710, HP:0000939.
Polycystic liver disease 4 with or without kidney cysts. Identifiers: MedGen C4693479, MONDO:0044327, OMIM 617875.
LRP5-related disorder. Also called: LRP5-related condition.

Allele frequency attached by ClinVar (database versions not stated): gnomAD 0.00002 and 0.00003; gnomAD exomes 0.00003 and 0.00004; TOPMed 0.00003; ExAC 0.00004; ESP Exome Variant Server 0.00015; 1000 Genomes Project 30x 0.00016; 1000 Genomes Project 0.00020.

Submissions (4):

PreventionGenetics, part of Exact Sciences
Classification: Uncertain significance for LRP5-related condition. Last evaluated: 2026-04-02. Review status: criteria provided, single submitter. Criteria: ACMG Guidelines, 2015. Collection method: clinical testing. Allele origin: germline.
Comment: The LRP5 c.3656G>A variant is predicted to result in the amino acid substitution p.Arg1219His. This variant was reported in the heterozygous state in an individual with retinopathy of prematurity (Kondo et al. 2013. PubMed ID: 23441120). This variant is reported in 0.011% of alleles in individuals of East Asian descent in gnomAD. At this time, the clinical significance of this variant is uncertain due to the absence of conclusive functional and genetic evidence.

GeneDx
Classification: Uncertain significance. Last evaluated: 2025-06-23. Review status: criteria provided, single submitter. Criteria: GeneDx Variant Classification Process June 2021. Collection method: clinical testing. Allele origin: germline. Affected: yes.
Comment: Reported in a premature infant with retinopathy of prematurity that progressed despite treatment (PMID: 23441120); In silico analysis suggests that this missense variant does not alter protein structure/function; This variant is associated with the following publications: (PMID: 34426522, 23441120, 30513533, 32884132, 40236513)

Labcorp Genetics (formerly Invitae), Labcorp
Classification: Uncertain significance. Last evaluated: 2025-04-23. Review status: criteria provided, single submitter. Criteria: Invitae Variant Classification Sherloc (09022015). Collection method: clinical testing. Allele origin: germline.
Comment: This sequence change replaces arginine, which is basic and polar, with histidine, which is basic and polar, at codon 1219 of the LRP5 protein (p.Arg1219His). This variant is present in population databases (rs143924910, gnomAD 0.01%). This missense change has been observed in individual(s) with retinopathy of prematurity (PMID: 23441120). ClinVar contains an entry for this variant (Variation ID: 1367854). Invitae Evidence Modeling of protein sequence and biophysical properties (such as structural, functional, and spatial information, amino acid conservation, physicochemical variation, residue mobility, and thermodynamic stability) indicates that this missense variant is not expected to disrupt LRP5 protein function with a negative predictive value of 95%. In summary, the available evidence is currently insufficient to determine the role of this variant in disease. Therefore, it has been classified as a Variant of Uncertain Significance.

Fulgent Genetics
Classification: Uncertain significance for Exudative vitreoretinopathy 1; Worth disease; Osteoporosis; Osteoporosis with pseudoglioma; Exudative vitreoretinopathy 4; Bone mineral density quantitative trait locus 1; Autosomal dominant osteopetrosis 1; Polycystic liver disease 4 with or without kidney cysts. Last evaluated: 2022-03-02. Review status: criteria provided, single submitter. Criteria: ACMG Guidelines, 2015. Collection method: clinical testing. Allele origin: unknown.

Literature cited by the submitters: PubMed 23441120 (cited by Labcorp Genetics (formerly Invitae), Labcorp).

NM_002335.4(LRP5):c.3656G>A (p.Arg1219His)

Gene: LRP5 (LDL receptor related protein 5; plus strand). Cytogenetic location: 11q13.2.
Variant type: single nucleotide variant.
Coding change: c.3656G>A on transcript NM_002335.4 (MANE Select); coding-DNA position 3656, G replaced by A.
Protein change: p.Arg1219His; replaces arginine 1219 with histidine.
Molecular consequence: missense variant.
Genome position (GRCh38, 1-based): chr11:68,429,593, G>A. VCF-style: chr11-68429593-G-A. GRCh37 (hg19) VCF-style: chr11-68197061-G-A.
Other names: c.1913G>A, p.Arg638His (NM_001291902.2); c.3656G>A (NM_002335.2, NM_002335.3); short protein forms R1219H, R638H.
Identifiers: ClinVar variation 1367854 (VCV001367854.9), dbSNP rs143924910, ClinGen allele CA6150073.